The following is an entry in ClinVar:

ClinVar aggregate classification (germline): Pathogenic. Review status: criteria provided, multiple submitters, no conflicts (2 of 4 stars). 2 submissions from 2 submitters: Pathogenic (2). Last evaluated 2022-06-07.

Conditions:
Multiple endocrine neoplasia, type 2 (MEN2). Identifiers: Orphanet 653, MedGen C4048306, MONDO:0019003. Disease mechanism: gain of function.
Hereditary cancer-predisposing syndrome. Also called: Tumor predisposition; Hereditary neoplastic syndrome; Neoplastic Syndromes, Hereditary; Hereditary Cancer Syndrome. Identifiers: Orphanet 140162, MedGen C0027672, MeSH D009386, MONDO:0015356.

Submissions (2):

Ambry Genetics
Classification: Pathogenic for Hereditary cancer-predisposing syndrome. Last evaluated: 2022-06-07. Review status: criteria provided, single submitter. Criteria: Ambry Variant Classification Scheme 2023. Collection method: clinical testing. Allele origin: germline.
Comment: The p.Q491* variant (also known as c.1471C>T), located in coding exon 7 of the RET gene, results from a C to T substitution at nucleotide position 1471. This changes the amino acid from a glutamine to a stop codon within coding exon 7. This alteration is expected to result in loss of function by premature protein truncation or nonsense-mediated mRNA decay. Loss-of-function variants in RET are known to cause Hirschsprung disease; however, such associations with Multiple Endocrine Neoplasia Type 2 (MEN2) have not been observed (Amiel J and Lyonnet S. J Med Genet. 2001 Nov;38(11):729-39; Wagner S et al. Clinics (Sao Paulo). 2012;67 Suppl 1(Suppl 1):77-84). Based on the supporting evidence, this alteration is pathogenic for Hirschsprung disease; however, the association of this alteration with MEN2 is unlikely.

Labcorp Genetics (formerly Invitae), Labcorp
Classification: Pathogenic for Multiple endocrine neoplasia, type 2. Last evaluated: 2022-04-29. Review status: criteria provided, single submitter. Criteria: Invitae Variant Classification Sherloc (09022015). Collection method: clinical testing. Allele origin: germline.
Comment: This sequence change creates a premature translational stop signal (p.Gln491*) in the RET gene. It is expected to result in an absent or disrupted protein product. Loss-of-function variants in RET are known to be pathogenic (PMID: 22174939, 22648184). For these reasons, this variant has been classified as Pathogenic. ClinVar contains an entry for this variant (Variation ID: 819313). This variant has not been reported in the literature in individuals affected with RET-related conditions. This variant is not present in population databases (gnomAD no frequency).

Literature cited by the submitters: PubMed 22174939 (cited by Labcorp Genetics (formerly Invitae), Labcorp); PubMed 22648184 (cited by Labcorp Genetics (formerly Invitae), Labcorp).

NM_020975.6(RET):c.1471C>T (p.Gln491Ter)

Gene: RET (ret proto-oncogene; plus strand). Cytogenetic location: 10q11.21.
Variant type: single nucleotide variant.
Coding change: c.1471C>T on transcript NM_020975.6 (MANE Select); coding-DNA position 1471, C replaced by T.
Protein change: p.Gln491Ter; replaces glutamine 491 with a stop codon.
Molecular consequence: nonsense.
Genome position (GRCh38, 1-based): chr10:43,111,414, C>T. VCF-style: chr10-43111414-C-T. GRCh37 (hg19) VCF-style: chr10-43606862-C-T.
Other names: c.709C>T, p.Gln237Ter (NM_001355216.2); c.1471C>T, p.Gln491Ter (NM_001406743.1, NM_000323.2, NM_001406744.1 and 6 more transcripts); c.1342C>T, p.Gln448Ter (NM_001406761.1, NM_001406762.1, NM_001406764.1 and 1 more transcripts); c.1183C>T, p.Gln395Ter (NM_001406766.1, NM_001406767.1, NM_001406770.1); c.1075C>T, p.Gln359Ter (NM_001406769.1, NM_001406772.1); c.1033C>T, p.Gln345Ter (NM_001406771.1, NM_001406773.1); c.946C>T, p.Gln316Ter (NM_001406774.1); c.745C>T, p.Gln249Ter (NM_001406775.1, NM_001406776.1, NM_001406777.1 and 1 more transcripts); and 1 more; short protein forms Q491*, Q237*, Q316*, Q395*, Q161*, Q249*, Q345*, Q359*.
Identifiers: ClinVar variation 819313 (VCV000819313.11), dbSNP rs1397494237, ClinGen allele CA376549803.